The following is an entry in ClinVar:

NM_024757.5(EHMT1):c.3240G>A (p.Met1080Ile)

Gene: EHMT1 (euchromatic histone lysine methyltransferase 1; plus strand). Cytogenetic location: 9q34.3.
Variant type: single nucleotide variant.
Coding change: c.3240G>A on transcript NM_024757.5 (MANE Select); coding-DNA position 3240, G replaced by A.
Protein change: p.Met1080Ile; replaces methionine 1080 with isoleucine.
Molecular consequence: missense variant.
Genome position (GRCh38, 1-based): chr9:137,814,490, G>A. VCF-style: chr9-137814490-G-A. GRCh37 (hg19) VCF-style: chr9-140708942-G-A.
Other names: c.3219G>A, p.Met1073Ile (NM_001354263.2); short protein forms M1073I, M1080I.
Identifiers: ClinVar variation 2866325 (VCV002866325.3), dbSNP rs2137757309, ClinGen allele CA375795006.

ClinVar aggregate classification (germline): Uncertain significance (1 of 4 stars; one submission).

Conditions:
Kleefstra syndrome 1 (KLEFS1). Identifiers: Orphanet 261494, MedGen C0795833, MONDO:0027407, OMIM 610253.

Allele frequency attached by ClinVar (database versions not stated): gnomAD 0.00001.

Submission:

Labcorp Genetics (formerly Invitae), Labcorp
Classification: Uncertain significance for Kleefstra syndrome 1. Last evaluated: 2023-05-20. Review status: criteria provided, single submitter. Criteria: Invitae Variant Classification Sherloc (09022015). Collection method: clinical testing. Allele origin: germline.
Comment: This sequence change replaces methionine, which is neutral and non-polar, with isoleucine, which is neutral and non-polar, at codon 1080 of the EHMT1 protein (p.Met1080Ile). This variant is not present in population databases (gnomAD no frequency). This variant has not been reported in the literature in individuals affected with EHMT1-related conditions. Advanced modeling of protein sequence and biophysical properties (such as structural, functional, and spatial information, amino acid conservation, physicochemical variation, residue mobility, and thermodynamic stability) performed at Invitae indicates that this missense variant is not expected to disrupt EHMT1 protein function. In summary, the available evidence is currently insufficient to determine the role of this variant in disease. Therefore, it has been classified as a Variant of Uncertain Significance.